The following is an entry in ClinVar:

NM_000038.6(APC):c.7209G>A (p.Gln2403=)

Gene: APC (APC regulator of Wnt signaling pathway; plus strand). Cytogenetic location: 5q22.2.
Variant type: single nucleotide variant.
Coding change: c.7209G>A on transcript NM_000038.6 (MANE Select); coding-DNA position 7209, G replaced by A.
Protein change: p.Gln2403=; no amino-acid change (glutamine 2403 retained).
Molecular consequence: synonymous variant.
Genome position (GRCh38, 1-based): chr5:112,842,803, G>A. VCF-style: chr5-112842803-G-A. GRCh37 (hg19) VCF-style: chr5-112178500-G-A.
Other names: c.7209G>A, p.Gln2403= (NM_001127510.3, NM_001354895.2); c.7155G>A, p.Gln2385= (NM_001127511.3); c.7263G>A, p.Gln2421= (NM_001354896.2); c.7239G>A, p.Gln2413= (NM_001354897.2); c.7134G>A, p.Gln2378= (NM_001354898.2); c.7125G>A, p.Gln2375= (NM_001354899.2); c.7086G>A, p.Gln2362= (NM_001354900.2); c.7032G>A, p.Gln2344= (NM_001354901.2); and 5 more.
Identifiers: ClinVar variation 350421 (VCV000350421.29), dbSNP rs769603145, ClinGen allele CA047233.

ClinVar aggregate classification (germline): Benign/Likely benign. Review status: criteria provided, multiple submitters, no conflicts (2 of 4 stars). 10 submissions from 10 submitters: Benign (1); Likely benign (9). Last evaluated 2025-12-16.

Conditions:
Familial adenomatous polyposis 1 (FAP1). Also called: POLYPOSIS, ADENOMATOUS INTESTINAL; FAMILIAL ADENOMATOUS POLYPOSIS 1, ATTENUATED. Identifiers: MedGen C2713442, MONDO:0021056, OMIM 175100. Disease mechanism: loss of function.
Classic or attenuated familial adenomatous polyposis. Identifiers: MedGen CN372698, MONDO:0021057.
APC-Associated Polyposis Disorders.
Hereditary cancer-predisposing syndrome. Also called: Neoplastic Syndromes, Hereditary; Tumor predisposition; Hereditary neoplastic syndrome; Hereditary Cancer Syndrome. Identifiers: Orphanet 140162, MedGen C0027672, MeSH D009386, MONDO:0015356.

Allele frequency attached by ClinVar (database versions not stated): TOPMed 0.00002; gnomAD 0.00003; gnomAD exomes 0.00003; ExAC 0.00004.
gnomAD v4.1: 55 of 1,613,436 alleles (0.0034%); highest among the groups gnomAD compares: South Asian, 0.0044%; no homozygotes.

Submissions (10):

Labcorp Genetics (formerly Invitae), Labcorp
Classification: Likely benign for Familial adenomatous polyposis 1. Last evaluated: 2025-12-16. Review status: criteria provided, single submitter. Criteria: Invitae Variant Classification Sherloc (09022015). Collection method: clinical testing. Allele origin: germline.

All of Us Research Program, National Institutes of Health
Classification: Likely benign for Classic or attenuated familial adenomatous polyposis. Last evaluated: 2024-09-17. Review status: criteria provided, single submitter. Criteria: ACMG Guidelines, 2015. Collection method: clinical testing. Allele origin: germline. Inheritance: Autosomal dominant inheritance. Observed: 8 variant alleles, 8 heterozygotes.
Comment: This study involves interpretation of variants in research participants for the purpose of population health screening. Participant phenotype was not available at the time of variant classification. Additional details can be found in publication PMID: 35346344, PMCID: PMC8962531

Myriad Genetics, Inc.
Classification: Benign for Familial adenomatous polyposis 1. Last evaluated: 2024-04-09. Review status: criteria provided, single submitter. Criteria: Myriad Autosomal Dominant, Autosomal Recessive and X-Linked Classification Criteria (2023). Collection method: clinical testing. Allele origin: unknown.
Comment: This variant is considered benign. This variant is a silent/synonymous amino acid change and it is not expected to impact splicing.

Sema4
Classification: Likely benign for Hereditary cancer-predisposing syndrome. Last evaluated: 2021-06-08. Review status: criteria provided, single submitter. Criteria: Sema4 Curation Guidelines. Collection method: curation. Allele origin: germline.

Quest Diagnostics Nichols Institute San Juan Capistrano
Classification: Likely benign. Last evaluated: 2021-02-11. Review status: criteria provided, single submitter. Criteria: Quest Diagnostics criteria. Collection method: clinical testing. Allele origin: unknown.

Women's Health and Genetics/Laboratory Corporation of America, LabCorp
Classification: Likely benign. Last evaluated: 2020-01-31. Review status: criteria provided, single submitter. Criteria: LabCorp Variant Classification Summary - May 2015. Collection method: clinical testing. Allele origin: germline.

GeneDx
Classification: Likely benign. Last evaluated: 2019-10-15. Review status: criteria provided, single submitter. Criteria: GeneDx Variant Classification Process June 2021. Collection method: clinical testing. Allele origin: germline. Affected: yes.

Illumina Laboratory Services, Illumina
Classification: Likely benign for APC-Associated Polyposis Disorders. Last evaluated: 2018-01-13. Review status: criteria provided, single submitter. Criteria: ICSL Variant Classification Criteria 13 December 2019. Collection method: clinical testing. Allele origin: germline.
Comment: This variant was observed in the ICSL laboratory as part of a predisposition screen in an ostensibly healthy population. It had not been previously curated by ICSL or reported in the Human Gene Mutation Database (HGMD: prior to June 1st, 2018), and was therefore a candidate for classification through an automated scoring system. Utilizing variant allele frequency, disease prevalence and penetrance estimates, and inheritance mode, an automated score was calculated to assess if this variant is too frequent to cause the disease. Based on the score and internal cut-off values, a variant classified as likely benign is not then subjected to further curation. The score for this variant resulted in a classification of likely benign for this disease.

Color Diagnostics, LLC DBA Color Health
Classification: Likely benign for Hereditary cancer-predisposing syndrome. Last evaluated: 2016-12-19. Review status: criteria provided, single submitter. Criteria: ACMG Guidelines, 2015. Collection method: clinical testing. Allele origin: germline.

Ambry Genetics
Classification: Likely benign for Hereditary cancer-predisposing syndrome. Last evaluated: 2015-12-12. Review status: criteria provided, single submitter. Criteria: Ambry Variant Classification Scheme 2023. Collection method: clinical testing. Allele origin: germline.